The following is an entry in ClinVar:

ClinVar aggregate classification (germline): Uncertain significance (1 of 4 stars; one submission).

Submission:

Labcorp Genetics (formerly Invitae), Labcorp
Classification: Uncertain significance. Last evaluated: 2022-08-18. Review status: criteria provided, single submitter. Criteria: Invitae Variant Classification Sherloc (09022015). Collection method: clinical testing. Allele origin: germline.
Comment: This variant has not been reported in the literature in individuals affected with MSH3-related conditions. In summary, the available evidence is currently insufficient to determine the role of this variant in disease. Therefore, it has been classified as a Variant of Uncertain Significance. Algorithms developed to predict the effect of missense changes on protein structure and function (SIFT, PolyPhen-2, Align-GVGD) all suggest that this variant is likely to be tolerated. This variant is not present in population databases (gnomAD no frequency). This sequence change replaces proline, which is neutral and non-polar, with serine, which is neutral and polar, at codon 522 of the MSH3 protein (p.Pro522Ser).

NM_002439.5(MSH3):c.1564C>T (p.Pro522Ser)

Gene: MSH3 (mutS homolog 3; plus strand). Cytogenetic location: 5q14.1.
Variant type: single nucleotide variant.
Coding change: c.1564C>T on transcript NM_002439.5 (MANE Select); coding-DNA position 1564, C replaced by T.
Protein change: p.Pro522Ser; replaces proline 522 with serine.
Molecular consequence: missense variant.
Genome position (GRCh38, 1-based): chr5:80,728,961, C>T. VCF-style: chr5-80728961-C-T. GRCh37 (hg19) VCF-style: chr5-80024780-C-T.
Other names: short protein forms P522S.
Identifiers: ClinVar variation 2010569 (VCV002010569.4), dbSNP rs2546754722, ClinGen allele CA360274383.